The following is an entry in ClinVar:

NM_001379291.1(BRD4):c.835C>T (p.Pro279Ser)

Gene: BRD4 (bromodomain containing 4; minus strand). Cytogenetic location: 19p13.12.
Variant type: single nucleotide variant.
Coding change: c.835C>T on transcript NM_001379291.1 (MANE Select); coding-DNA position 835, C replaced by T.
Protein change: p.Pro279Ser; replaces proline 279 with serine.
Molecular consequence: missense variant.
Genome position (GRCh38, 1-based): chr19:15,265,368, G>A on the plus strand (C>T on the coding strand, the complement: BRD4 is on the minus strand). VCF-style: chr19-15265368-G-A. GRCh37 (hg19) VCF-style: chr19-15376179-G-A.
Other names: c.835C>T, p.Pro279Ser (NM_001330384.2, NM_001379292.1, NM_014299.3 and 1 more transcripts); short protein forms P279S.
Identifiers: ClinVar variation 1713338 (VCV001713338.5), dbSNP rs1206924474, ClinGen allele CA404484859.

ClinVar aggregate classification (germline): Uncertain significance (1 of 4 stars; one submission).

Allele frequency attached by ClinVar (database versions not stated): TOPMed below 0.00001; gnomAD 0.00001.

Submission:

Labcorp Genetics (formerly Invitae), Labcorp
Classification: Uncertain significance. Last evaluated: 2022-09-13. Review status: criteria provided, single submitter. Criteria: Invitae Variant Classification Sherloc (09022015). Collection method: clinical testing. Allele origin: germline.
Comment: This sequence change replaces proline, which is neutral and non-polar, with serine, which is neutral and polar, at codon 279 of the BRD4 protein (p.Pro279Ser). This variant is not present in population databases (gnomAD no frequency). This variant has not been reported in the literature in individuals affected with BRD4-related conditions. Advanced modeling of protein sequence and biophysical properties (such as structural, functional, and spatial information, amino acid conservation, physicochemical variation, residue mobility, and thermodynamic stability) performed at Invitae indicates that this missense variant is not expected to disrupt BRD4 protein function. In summary, the available evidence is currently insufficient to determine the role of this variant in disease. Therefore, it has been classified as a Variant of Uncertain Significance.